The following is an entry in ClinVar:

NM_175053.4(KRT74):c.422G>A (p.Arg141Gln)

Gene: KRT74 (keratin 74; minus strand). Cytogenetic location: 12q13.13.
Variant type: single nucleotide variant.
Coding change: c.422G>A on transcript NM_175053.4 (MANE Select); coding-DNA position 422, G replaced by A.
Protein change: p.Arg141Gln; replaces arginine 141 with glutamine.
Molecular consequence: missense variant.
Genome position (GRCh38, 1-based): chr12:52,573,356, C>T on the plus strand (G>A on the coding strand, the complement: KRT74 is on the minus strand). VCF-style: chr12-52573356-C-T. GRCh37 (hg19) VCF-style: chr12-52967140-C-T.
Other names: short protein forms R141Q.
Identifiers: ClinVar variation 2330647 (VCV002330647.4), dbSNP rs148593059, ClinGen allele CA6584111.

ClinVar aggregate classification (germline): Uncertain significance. Review status: criteria provided, multiple submitters, no conflicts (2 of 4 stars). 2 submissions from 2 submitters: Uncertain significance (2). Last evaluated 2025-11-17.

Allele frequency attached by ClinVar (database versions not stated): gnomAD 0.00007; TOPMed 0.00006; ExAC 0.00005; ESP Exome Variant Server 0.00023.

Submissions (2):

Labcorp Genetics (formerly Invitae), Labcorp
Classification: Uncertain significance. Last evaluated: 2025-11-17. Review status: criteria provided, single submitter. Criteria: Invitae Variant Classification Sherloc (09022015). Collection method: clinical testing. Allele origin: germline.
Comment: This sequence change replaces arginine, which is basic and polar, with glutamine, which is neutral and polar, at codon 141 of the KRT74 protein (p.Arg141Gln). This variant is present in population databases (rs148593059, gnomAD 0.02%). This variant has not been reported in the literature in individuals affected with KRT74-related conditions. ClinVar contains an entry for this variant (Variation ID: 2330647). Invitae Evidence Modeling of protein sequence and biophysical properties (such as structural, functional, and spatial information, amino acid conservation, physicochemical variation, residue mobility, and thermodynamic stability) indicates that this missense variant is not expected to disrupt KRT74 protein function with a negative predictive value of 80%. In summary, the available evidence is currently insufficient to determine the role of this variant in disease. Therefore, it has been classified as a Variant of Uncertain Significance.

Ambry Genetics
Classification: Uncertain significance. Last evaluated: 2024-01-30. Review status: criteria provided, single submitter. Criteria: Ambry Variant Classification Scheme 2023. Collection method: clinical testing. Allele origin: germline.